The following is an entry in ClinVar:

NM_005228.5(EGFR):c.130T>A (p.Phe44Ile)

Gene: EGFR (epidermal growth factor receptor; plus strand). Cytogenetic location: 7p11.2.
Variant type: single nucleotide variant.
Coding change: c.130T>A on transcript NM_005228.5 (MANE Select); coding-DNA position 130, T replaced by A.
Protein change: p.Phe44Ile; replaces phenylalanine 44 with isoleucine.
Molecular consequence: missense variant. On other transcripts: 5 prime UTR variant (1), intron variant (1).
Genome position (GRCh38, 1-based): chr7:55,142,327, T>A. VCF-style: chr7-55142327-T-A. GRCh37 (hg19) VCF-style: chr7-55210020-T-A.
Other names: c.130T>A, p.Phe44Ile (NM_001346897.2, NM_001346898.2, NM_001346899.2 and 3 more transcripts); c.-30T>A (NM_001346900.2); c.89-13503T>A (NM_001346941.2); short protein forms F44I.
Identifiers: ClinVar variation 2698469 (VCV002698469.3), dbSNP rs2128926193, ClinGen allele CA367574306.

ClinVar aggregate classification (germline): Uncertain significance (1 of 4 stars; one submission).

Conditions:
EGFR-related lung cancer (EGFR). Identifiers: MedGen CN130014.

Submission:

Labcorp Genetics (formerly Invitae), Labcorp
Classification: Uncertain significance for EGFR-related lung cancer. Last evaluated: 2023-11-24. Review status: criteria provided, single submitter. Criteria: Invitae Variant Classification Sherloc (09022015). Collection method: clinical testing. Allele origin: germline.
Comment: This sequence change replaces phenylalanine, which is neutral and non-polar, with isoleucine, which is neutral and non-polar, at codon 44 of the EGFR protein (p.Phe44Ile). This variant is not present in population databases (gnomAD no frequency). This variant has not been reported in the literature in individuals affected with EGFR-related conditions. Advanced modeling of protein sequence and biophysical properties (such as structural, functional, and spatial information, amino acid conservation, physicochemical variation, residue mobility, and thermodynamic stability) performed at Invitae indicates that this missense variant is not expected to disrupt EGFR protein function with a negative predictive value of 80%. In summary, the available evidence is currently insufficient to determine the role of this variant in disease. Therefore, it has been classified as a Variant of Uncertain Significance.